The following is an entry in ClinVar:

NM_016604.4(KDM3B):c.2125G>C (p.Ala709Pro)

Gene: KDM3B (lysine demethylase 3B; plus strand). Cytogenetic location: 5q31.2.
Variant type: single nucleotide variant.
Coding change: c.2125G>C on transcript NM_016604.4 (MANE Select); coding-DNA position 2125, G replaced by C.
Protein change: p.Ala709Pro; replaces alanine 709 with proline.
Molecular consequence: missense variant.
Genome position (GRCh38, 1-based): chr5:138,391,757, G>C. VCF-style: chr5-138391757-G-C. GRCh37 (hg19) VCF-style: chr5-137727446-G-C.
Other names: short protein forms A709P.
Identifiers: ClinVar variation 1676521 (VCV001676521.3), dbSNP rs2126951192, ClinGen allele CA361108532.
Genomic context (GRCh38, chr5:138,391,757, plus strand): 5'-AAGAAACCCCTCTTCATTACAACTGACTCCTCCAAGCTAGTATCTGGTGTTCTGGGCTCA[G>C]CTCTTACCAGTGGGGGCCCAAGCCTCTCTGCCATGGGGAATGGCCGCTCCAGCTCGCCCA-3'
Protein context (NP_057688.3, residues 699-719): SKLVSGVLGS[Ala709Pro]LTSGGPSLSA

ClinVar aggregate classification (germline): Uncertain significance (1 of 4 stars; one submission).

gnomAD v4.1: 1 of 1,614,056 alleles (0.000062%); no homozygotes.

Submission:

Greenwood Genetic Center Diagnostic Laboratories, Greenwood Genetic Center
Classification: Uncertain significance. Last evaluated: 2022-01-13. Review status: criteria provided, single submitter. Criteria: ACMG Guidelines, 2015. Collection method: clinical testing. Allele origin: germline. Affected: yes.
Comment: BP4, PP2, PM2